The following is an entry in ClinVar:

NM_002476.2(MYL4):c.374G>A (p.Arg125His)

Gene: MYL4 (myosin light chain 4; plus strand). Cytogenetic location: 17q21.32.
Variant type: single nucleotide variant.
Coding change: c.374G>A on transcript NM_002476.2 (MANE Select); coding-DNA position 374, G replaced by A.
Protein change: p.Arg125His; replaces arginine 125 with histidine.
Molecular consequence: missense variant.
Genome position (GRCh38, 1-based): chr17:47,221,742, G>A. VCF-style: chr17-47221742-G-A. GRCh37 (hg19) VCF-style: chr17-45299108-G-A.
Other names: c.374G>A, p.Arg125His (NM_001002841.2); short protein forms R125H.
Identifiers: ClinVar variation 1037096 (VCV001037096.9), dbSNP rs111293783, ClinGen allele CA8622732.

ClinVar aggregate classification (germline): Uncertain significance. Review status: criteria provided, multiple submitters, no conflicts (2 of 4 stars). 2 submissions from 2 submitters: Uncertain significance (2). Last evaluated 2025-08-14.

Conditions:
Atrial fibrillation, familial, 18 (ATFB18). Identifiers: MedGen C4310636, MONDO:0015001, OMIM 617280.

Allele frequency attached by ClinVar (database versions not stated): ExAC 0.00001; gnomAD exomes 0.00002; gnomAD 0.00003 and 0.00004; TOPMed 0.00003; ESP Exome Variant Server 0.00008.
gnomAD v4.1: 38 of 1,613,996 alleles (0.0024%); highest among the groups gnomAD compares: East Asian, 0.018%; no homozygotes.

Submissions (2):

Labcorp Genetics (formerly Invitae), Labcorp
Classification: Uncertain significance for Atrial fibrillation, familial, 18. Last evaluated: 2025-08-14. Review status: criteria provided, single submitter. Criteria: Invitae Variant Classification Sherloc (09022015). Collection method: clinical testing. Allele origin: germline.
Comment: This sequence change replaces arginine, which is basic and polar, with histidine, which is basic and polar, at codon 125 of the MYL4 protein (p.Arg125His). This variant is present in population databases (rs111293783, gnomAD 0.005%). This variant has not been reported in the literature in individuals affected with MYL4-related conditions. ClinVar contains an entry for this variant (Variation ID: 1037096). An algorithm developed to predict the effect of missense changes on protein structure and function (PolyPhen-2) suggests that this variant is likely to be disruptive. In summary, the available evidence is currently insufficient to determine the role of this variant in disease. Therefore, it has been classified as a Variant of Uncertain Significance.

Blueprint Genetics
Classification: Uncertain significance. Last evaluated: 2023-11-08. Review status: criteria provided, single submitter. Criteria: ACMG Guidelines, 2015. Collection method: clinical testing. Allele origin: germline.